The following is an entry in ClinVar:

ClinVar aggregate classification (germline): Uncertain significance (1 of 4 stars; one submission).

Submission:

Labcorp Genetics (formerly Invitae), Labcorp
Classification: Uncertain significance. Last evaluated: 2025-06-27. Review status: criteria provided, single submitter. Criteria: Invitae Variant Classification Sherloc (09022015). Collection method: clinical testing. Allele origin: germline.
Comment: This sequence change replaces glycine, which is neutral and non-polar, with serine, which is neutral and polar, at codon 9 of the LAGE3 protein (p.Gly9Ser). The frequency data for this variant in the population databases is considered unreliable, as metrics indicate insufficient coverage at this position in the gnomAD database. This variant has not been reported in the literature in individuals affected with LAGE3-related conditions. An algorithm developed to predict the effect of missense changes on protein structure and function outputs the following: PolyPhen-2: "Not Available". The serine amino acid residue is found in multiple mammalian species, which suggests that this missense change does not adversely affect protein function. In summary, the available evidence is currently insufficient to determine the role of this variant in disease. Therefore, it has been classified as a Variant of Uncertain Significance.

NM_006014.5(LAGE3):c.25G>A (p.Gly9Ser)

Genes: LAGE3 (L antigen family member 3; minus strand), LOC130068876 (ATAC-STARR-seq lymphoblastoid silent region 21109; plus strand). Cytogenetic location: Xq28.
Variant type: single nucleotide variant.
Coding change: c.25G>A on transcript NM_006014.5 (MANE Select); coding-DNA position 25, G replaced by A.
Protein change: p.Gly9Ser; replaces glycine 9 with serine.
Molecular consequence: missense variant.
Genome position (GRCh38, 1-based): chrX:154,478,891, C>T on the plus strand (G>A on the coding strand, the complement: LAGE3 is on the minus strand). VCF-style: chrX-154478891-C-T. GRCh37 (hg19) VCF-style: chrX-153707230-C-T.
Other names: short protein forms G9S.
Identifiers: ClinVar variation 4702011 (VCV004702011.1).
Genomic context (GRCh38, chrX:154,478,891, plus strand): 5'-TGTCCACGCCCCCGCGGCAGCTGTGGCCACCCCGGCCATCCCCGCCGTCAGCGCCTCCGC[C>T]TGCGTCTGCATCCGCGTCCCGCATGACCGCCGCCGCGCCGCTCCGACTCCACCCCCGAAG-3'
Protein context (NP_006005.2, residues 1-19): MRDADADA[Gly9Ser]GGADGGDGRG